The following is an entry in ClinVar:

NM_000143.4(FH):c.326A>T (p.Asp109Val)

Gene: FH (fumarate hydratase; minus strand). Cytogenetic location: 1q43.
Variant type: single nucleotide variant.
Coding change: c.326A>T on transcript NM_000143.4 (MANE Select); coding-DNA position 326, A replaced by T.
Protein change: p.Asp109Val; replaces aspartic acid 109 with valine.
Molecular consequence: missense variant.
Genome position (GRCh38, 1-based): chr1:241,513,655, T>A on the plus strand (A>T on the coding strand, the complement: FH is on the minus strand). VCF-style: chr1-241513655-T-A. GRCh37 (hg19) VCF-style: chr1-241676955-T-A.
Other names: short protein forms D109V.
Identifiers: ClinVar variation 823357 (VCV000823357.14), dbSNP rs1573886432, ClinGen allele CA345440701.
Genomic context (GRCh38, chr1:241,513,655, plus strand): 5'-CCTCCTACCTCATCTGCTGCCTTCATTATTGCATTAGCAATCTTTGGATCAAGACCATAA[T>A]CCTGGTTTACTTCAGCGGCCGCTCGCTTCAAGATGCCAAAAGCTTTAATAACTGGGGTCT-3'
Protein context (NP_000134.2, residues 99-119): LKRAAAEVNQ[Asp109Val]YGLDPKIANA

ClinVar aggregate classification (germline): Uncertain significance. Review status: criteria provided, multiple submitters, no conflicts (2 of 4 stars). 2 submissions from 2 submitters: Uncertain significance (2). Last evaluated 2025-07-21.

Conditions:
Hereditary cancer-predisposing syndrome. Also called: Tumor predisposition; Hereditary Cancer Syndrome; Neoplastic Syndromes, Hereditary; Hereditary neoplastic syndrome. Identifiers: Orphanet 140162, MedGen C0027672, MeSH D009386, MONDO:0015356.

Submissions (2):

Labcorp Genetics (formerly Invitae), Labcorp
Classification: Uncertain significance. Last evaluated: 2025-07-21. Review status: criteria provided, single submitter. Criteria: Invitae Variant Classification Sherloc (09022015). Collection method: clinical testing. Allele origin: germline.
Comment: This sequence change replaces aspartic acid, which is acidic and polar, with valine, which is neutral and non-polar, at codon 109 of the FH protein (p.Asp109Val). This variant is not present in population databases (gnomAD no frequency). This variant has not been reported in the literature in individuals affected with FH-related conditions. ClinVar contains an entry for this variant (Variation ID: 823357). Invitae Evidence Modeling of protein sequence and biophysical properties (such as structural, functional, and spatial information, amino acid conservation, physicochemical variation, residue mobility, and thermodynamic stability) has been performed for this missense variant. However, the output from this modeling did not meet the statistical confidence thresholds required to predict the impact of this variant on FH protein function. In summary, the available evidence is currently insufficient to determine the role of this variant in disease. Therefore, it has been classified as a Variant of Uncertain Significance.

Ambry Genetics
Classification: Uncertain significance for Hereditary cancer-predisposing syndrome. Last evaluated: 2024-03-11. Review status: criteria provided, single submitter. Criteria: Ambry Variant Classification Scheme 2023. Collection method: clinical testing. Allele origin: germline.
Comment: The p.D109V variant (also known as c.326A>T), located in coding exon 3 of the FH gene, results from an A to T substitution at nucleotide position 326. The aspartic acid at codon 109 is replaced by valine, an amino acid with highly dissimilar properties. This amino acid position is well conserved in available vertebrate species. In addition, this alteration is predicted to be deleterious by in silico analysis. Based on the available evidence, the clinical significance of this alteration remains unclear.